The following is an entry in ClinVar:

NM_006231.4(POLE):c.6297C>A (p.Asn2099Lys)

Gene: POLE (DNA polymerase epsilon, catalytic subunit; minus strand). Cytogenetic location: 12q24.33.
Variant type: single nucleotide variant.
Coding change: c.6297C>A on transcript NM_006231.4 (MANE Select); coding-DNA position 6297, C replaced by A.
Protein change: p.Asn2099Lys; replaces asparagine 2099 with lysine.
Molecular consequence: missense variant.
Genome position (GRCh38, 1-based): chr12:132,632,348, G>T on the plus strand (C>A on the coding strand, the complement: POLE is on the minus strand). VCF-style: chr12-132632348-G-T. GRCh37 (hg19) VCF-style: chr12-133208934-G-T.
Other names: short protein forms N2099K.
Identifiers: ClinVar variation 1521910 (VCV001521910.6), dbSNP rs2138459637, ClinGen allele CA387369320.

ClinVar aggregate classification (germline): Uncertain significance (1 of 4 stars; one submission).

Submission:

Labcorp Genetics (formerly Invitae), Labcorp
Classification: Uncertain significance. Last evaluated: 2022-09-02. Review status: criteria provided, single submitter. Criteria: Invitae Variant Classification Sherloc (09022015). Collection method: clinical testing. Allele origin: germline.
Comment: This variant has not been reported in the literature in individuals affected with POLE-related conditions. This variant is not present in population databases (gnomAD no frequency). This sequence change replaces asparagine, which is neutral and polar, with lysine, which is basic and polar, at codon 2099 of the POLE protein (p.Asn2099Lys). ClinVar contains an entry for this variant (Variation ID: 1521910). In summary, the available evidence is currently insufficient to determine the role of this variant in disease. Therefore, it has been classified as a Variant of Uncertain Significance. Algorithms developed to predict the effect of missense changes on protein structure and function are either unavailable or do not agree on the potential impact of this missense change (SIFT: "Deleterious"; PolyPhen-2: "Benign"; Align-GVGD: "Class C0").